The following is an entry in ClinVar:

NM_004655.4(AXIN2):c.1327C>G (p.Leu443Val)

Gene: AXIN2 (axin 2; minus strand). Cytogenetic location: 17q24.1.
Variant type: single nucleotide variant.
Coding change: c.1327C>G on transcript NM_004655.4 (MANE Select); coding-DNA position 1327, C replaced by G.
Protein change: p.Leu443Val; replaces leucine 443 with valine.
Molecular consequence: missense variant.
Genome position (GRCh38, 1-based): chr17:65,537,709, G>C on the plus strand (C>G on the coding strand, the complement: AXIN2 is on the minus strand). VCF-style: chr17-65537709-G-C. GRCh37 (hg19) VCF-style: chr17-63533827-G-C.
Other names: c.1327C>G, p.Leu443Val (NM_001363813.1); c.1327C>G (NM_004655.3); short protein forms L443V.
Identifiers: ClinVar variation 1481578 (VCV001481578.9), dbSNP rs371691797, ClinGen allele CA400677720.

ClinVar aggregate classification (germline): Uncertain significance. Review status: criteria provided, multiple submitters, no conflicts (2 of 4 stars). 2 submissions from 2 submitters: Uncertain significance (2). Last evaluated 2025-08-02.

Conditions:
Hereditary cancer-predisposing syndrome. Also called: Tumor predisposition; Hereditary Cancer Syndrome; Hereditary neoplastic syndrome; Neoplastic Syndromes, Hereditary. Identifiers: Orphanet 140162, MedGen C0027672, MeSH D009386, MONDO:0015356.
Oligodontia-cancer predisposition syndrome. Also called: TOOTH AGENESIS-COLORECTAL CANCER SYNDROME. Identifiers: Orphanet 300576, MedGen C1837750, MONDO:0012075, OMIM 608615. Disease mechanism: loss of function.

Submissions (2):

Labcorp Genetics (formerly Invitae), Labcorp
Classification: Uncertain significance for Oligodontia-cancer predisposition syndrome. Last evaluated: 2025-08-02. Review status: criteria provided, single submitter. Criteria: Invitae Variant Classification Sherloc (09022015). Collection method: clinical testing. Allele origin: germline.
Comment: This sequence change replaces leucine, which is neutral and non-polar, with valine, which is neutral and non-polar, at codon 443 of the AXIN2 protein (p.Leu443Val). This variant is not present in population databases (gnomAD no frequency). This variant has not been reported in the literature in individuals affected with AXIN2-related conditions. ClinVar contains an entry for this variant (Variation ID: 1481578). Invitae Evidence Modeling of protein sequence and biophysical properties (such as structural, functional, and spatial information, amino acid conservation, physicochemical variation, residue mobility, and thermodynamic stability) indicates that this missense variant is not expected to disrupt AXIN2 protein function with a negative predictive value of 80%. In summary, the available evidence is currently insufficient to determine the role of this variant in disease. Therefore, it has been classified as a Variant of Uncertain Significance.

Ambry Genetics
Classification: Uncertain significance for Hereditary cancer-predisposing syndrome. Last evaluated: 2024-08-12. Review status: criteria provided, single submitter. Criteria: Ambry Variant Classification Scheme 2023. Collection method: clinical testing. Allele origin: germline.
Comment: The p.L443V variant (also known as c.1327C>G), located in coding exon 5 of the AXIN2 gene, results from a C to G substitution at nucleotide position 1327. The leucine at codon 443 is replaced by valine, an amino acid with highly similar properties. This amino acid position is conserved. In addition, this alteration is predicted to be tolerated by in silico analysis. Based on the available evidence, the clinical significance of this variant remains unclear.